The following is an entry in ClinVar:

NM_000321.3(RB1):c.1499-8A>T

Gene: RB1 (RB transcriptional corepressor 1; plus strand). Cytogenetic location: 13q14.2.
Variant type: single nucleotide variant.
Coding change: c.1499-8A>T on transcript NM_000321.3 (MANE Select); 8 bases into the intron before coding-DNA position 1499, A replaced by T.
Molecular consequence: intron variant.
Genome position (GRCh38, 1-based): chr13:48,381,239, A>T. VCF-style: chr13-48381239-A-T. GRCh37 (hg19) VCF-style: chr13-48955375-A-T.
Identifiers: ClinVar variation 458127 (VCV000458127.12), dbSNP rs1555286676, ClinGen allele CA609929339.

ClinVar aggregate classification (germline): Likely benign. Review status: criteria provided, multiple submitters, no conflicts (2 of 4 stars). 2 submissions from 2 submitters: Likely benign (2). Last evaluated 2026-06-18.

Conditions:
Retinoblastoma (RB1). Also called: RETINOBLASTOMA, SOMATIC. Identifiers: Orphanet 790, MedGen C0035335, MeSH D012175, MONDO:0008380, OMIM 180200, HP:0009919. Disease mechanism: loss of function. Inheritance: Both sporadic and heritable forms are tested..

Allele frequency attached by ClinVar (database versions not stated): gnomAD exomes 0.00257.

Submissions (2):

Myriad Genetics, Inc.
Classification: Likely benign for Retinoblastoma. Last evaluated: 2026-06-18. Review status: criteria provided, single submitter. Criteria: Myriad Autosomal Dominant, Autosomal Recessive and X-Linked Classification Criteria (2023). Collection method: clinical testing. Allele origin: unknown.
Comment: This variant is considered likely benign. This variant is intronic and is not expected to impact mRNA splicing.

Labcorp Genetics (formerly Invitae), Labcorp
Classification: Likely benign for Retinoblastoma. Last evaluated: 2025-01-23. Review status: criteria provided, single submitter. Criteria: Invitae Variant Classification Sherloc (09022015). Collection method: clinical testing. Allele origin: germline.